The following is an entry in ClinVar:

ClinVar aggregate classification (germline): Uncertain significance. Review status: criteria provided, multiple submitters, no conflicts (2 of 4 stars). 3 submissions from 3 submitters: Uncertain significance (3). Last evaluated 2024-06-16.

Conditions:
Inborn genetic diseases. Identifiers: MedGen C0950123, MeSH D030342.

Allele frequency attached by ClinVar (database versions not stated): TOPMed 0.00001; gnomAD 0.00002.
gnomAD v4.1: 4 of 1,614,070 alleles (0.00025%); highest among the groups gnomAD compares: African/African-American, 0.004%; no homozygotes.

Submissions (3):

Ambry Genetics
Classification: Uncertain significance for Inborn genetic diseases. Last evaluated: 2024-06-16. Review status: criteria provided, single submitter. Criteria: Ambry Variant Classification Scheme 2023. Collection method: clinical testing. Allele origin: germline.

Labcorp Genetics (formerly Invitae), Labcorp
Classification: Uncertain significance. Last evaluated: 2022-06-13. Review status: criteria provided, single submitter. Criteria: Invitae Variant Classification Sherloc (09022015). Collection method: clinical testing. Allele origin: germline.
Comment: This sequence change replaces lysine, which is basic and polar, with asparagine, which is neutral and polar, at codon 911 of the CNGB1 protein (p.Lys911Asn). This variant is present in population databases (no rsID available, gnomAD 0.01%). This variant has not been reported in the literature in individuals affected with CNGB1-related conditions. ClinVar contains an entry for this variant (Variation ID: 866681). Advanced modeling of protein sequence and biophysical properties (such as structural, functional, and spatial information, amino acid conservation, physicochemical variation, residue mobility, and thermodynamic stability) performed at Invitae indicates that this missense variant is not expected to disrupt CNGB1 protein function. In summary, the available evidence is currently insufficient to determine the role of this variant in disease. Therefore, it has been classified as a Variant of Uncertain Significance.

Blueprint Genetics
Classification: Uncertain significance. Last evaluated: 2019-08-16. Review status: criteria provided, single submitter. Criteria: ACMG Guidelines, 2015. Collection method: clinical testing. Allele origin: germline.

NM_001297.5(CNGB1):c.2733G>C (p.Lys911Asn)

Gene: CNGB1 (cyclic nucleotide gated channel subunit beta 1; minus strand). Cytogenetic location: 16q21.
Variant type: single nucleotide variant.
Coding change: c.2733G>C on transcript NM_001297.5 (MANE Select); coding-DNA position 2733, G replaced by C.
Protein change: p.Lys911Asn; replaces lysine 911 with asparagine.
Molecular consequence: missense variant.
Genome position (GRCh38, 1-based): chr16:57,903,883, C>G on the plus strand (G>C on the coding strand, the complement: CNGB1 is on the minus strand). VCF-style: chr16-57903883-C-G. GRCh37 (hg19) VCF-style: chr16-57937787-C-G.
Other names: c.2715G>C, p.Lys905Asn (NM_001286130.2); short protein forms K905N, K911N.
Identifiers: ClinVar variation 866681 (VCV000866681.13), dbSNP rs1012577997, ClinGen allele CA281590060.
Genomic context (GRCh38, chr16:57,903,883, plus strand): 5'-CAGCATGCCTTGCGAGTGCCAGGTGTACTCGTACCAGGTCTTGACGCGGTTCTGCACGGA[C>G]TTGGGGATCTTGTAGAAATTCATGTACTTCACCGTGCTGTCCATGCAGCTGCGGTAGTAG-3'
Protein context (NP_001288.3, residues 901-921): VKYMNFYKIP[Lys911Asn]SVQNRVKTWY